The following is an entry in ClinVar:

GRCh37/hg19 5q35.2-35.3(chr5:174990352-180690937)

Genes: ADAMTS2 (ADAM metallopeptidase with thrombospondin type 1 motif 2; minus strand), ARL10 (ARF like GTPase 10; plus strand), B4GALT7 (beta-1,4-galactosyltransferase 7; plus strand), BTNL3 (butyrophilin like 3; plus strand), BTNL8 (butyrophilin like 8; plus strand) and 87 more. Cytogenetic location: 5q35.2-35.3.
Variant type: copy number gain.
Identifiers: ClinVar variation 625703 (VCV000625703.1).

ClinVar aggregate classification (germline): Pathogenic (1 of 4 stars; one submission).

Submission:

Baylor Genetics
Classification: Pathogenic. Last evaluated: 2018-11-01. Review status: criteria provided, single submitter. Criteria: ACMG CNV Guidelines, 2011. Collection method: clinical testing. Allele origin: germline. Affected: yes. Observed: 1 variant allele.
Comment: Duplications involving this region have been previously reported in patients with short stature, microcephaly, and speech delay (PMID: 19844260)